The following is an entry in ClinVar:

NM_016239.4(MYO15A):c.2851C>T (p.Arg951Ter)

Gene: MYO15A (myosin XVA; plus strand). Cytogenetic location: 17p11.2.
Variant type: single nucleotide variant.
Coding change: c.2851C>T on transcript NM_016239.4 (MANE Select); coding-DNA position 2851, C replaced by T.
Protein change: p.Arg951Ter; replaces arginine 951 with a stop codon.
Molecular consequence: nonsense.
Genome position (GRCh38, 1-based): chr17:18,121,651, C>T. VCF-style: chr17-18121651-C-T. GRCh37 (hg19) VCF-style: chr17-18024965-C-T.
Other names: short protein forms R951*.
Identifiers: ClinVar variation 2982897 (VCV002982897.3), dbSNP rs1400982168, ClinGen allele CA398585614.

ClinVar aggregate classification (germline): Pathogenic (1 of 4 stars; one submission).

Allele frequency attached by ClinVar (database versions not stated): TOPMed 0.00001.

Submission:

Labcorp Genetics (formerly Invitae), Labcorp
Classification: Pathogenic. Last evaluated: 2024-01-08. Review status: criteria provided, single submitter. Criteria: Invitae Variant Classification Sherloc (09022015). Collection method: clinical testing. Allele origin: germline.
Comment: This sequence change creates a premature translational stop signal (p.Arg951*) in the MYO15A gene. It is expected to result in an absent or disrupted protein product. Loss-of-function variants in MYO15A are known to be pathogenic (PMID: 17546645). The frequency data for this variant in the population databases is considered unreliable, as metrics indicate poor data quality at this position in the gnomAD database. This variant has not been reported in the literature in individuals affected with MYO15A-related conditions. For these reasons, this variant has been classified as Pathogenic.

Literature cited by the submitters: PubMed 17546645.